The following is an entry in ClinVar:

NM_021939.4(FKBP10):c.832G>C (p.Gly278Arg)

Gene: FKBP10 (FKBP prolyl isomerase 10; plus strand). Cytogenetic location: 17q21.2.
Variant type: single nucleotide variant.
Coding change: c.832G>C on transcript NM_021939.4 (MANE Select); coding-DNA position 832, G replaced by C.
Protein change: p.Gly278Arg; replaces glycine 278 with arginine.
Molecular consequence: missense variant.
Genome position (GRCh38, 1-based): chr17:41,819,314, G>C. VCF-style: chr17-41819314-G-C. GRCh37 (hg19) VCF-style: chr17-39975566-G-C.
Other names: short protein forms G278R.
Identifiers: ClinVar variation 1416851 (VCV001416851.4), dbSNP rs372572372, ClinGen allele CA399516455.

ClinVar aggregate classification (germline): Uncertain significance (1 of 4 stars; one submission).

Submission:

Labcorp Genetics (formerly Invitae), Labcorp
Classification: Uncertain significance. Last evaluated: 2021-08-12. Review status: criteria provided, single submitter. Criteria: Invitae Variant Classification Sherloc (09022015). Collection method: clinical testing. Allele origin: germline.
Comment: This sequence change replaces glycine with arginine at codon 278 of the FKBP10 protein (p.Gly278Arg). The glycine residue is weakly conserved and there is a moderate physicochemical difference between glycine and arginine. This variant is not present in population databases (ExAC no frequency). This variant has not been reported in the literature in individuals affected with FKBP10-related conditions. Algorithms developed to predict the effect of missense changes on protein structure and function (SIFT, PolyPhen-2, Align-GVGD) all suggest that this variant is likely to be tolerated. In summary, the available evidence is currently insufficient to determine the role of this variant in disease. Therefore, it has been classified as a Variant of Uncertain Significance.